The following is an entry in ClinVar:

NM_002016.2(FLG):c.2073A>G (p.Gly691=)

Genes: CCDST (cervical cancer associated DHX9 suppressive transcript; plus strand), FLG (filaggrin; minus strand). Cytogenetic location: 1q21.3.
Variant type: single nucleotide variant.
Coding change: c.2073A>G on transcript NM_002016.2 (MANE Select); coding-DNA position 2073, A replaced by G.
Protein change: p.Gly691=; no amino-acid change (glycine 691 retained).
Molecular consequence: synonymous variant.
Genome position (GRCh38, 1-based): chr1:152,312,813, T>C on the plus strand (A>G on the coding strand, the complement: FLG is on the minus strand). VCF-style: chr1-152312813-T-C. GRCh37 (hg19) VCF-style: chr1-152285289-T-C.
Identifiers: ClinVar variation 1248082 (VCV001248082.5), dbSNP rs527901575, ClinGen allele CA1107339.

ClinVar aggregate classification (germline): Benign. Review status: criteria provided, multiple submitters, no conflicts (2 of 4 stars). 3 submissions from 3 submitters: Benign (2). 1 of the submissions does not count toward it. Last evaluated 2019-12-20.

Conditions:
FLG-related disorder. Also called: FLG-related condition; FLG-related disorders.

Allele frequency attached by ClinVar (database versions not stated): gnomAD exomes 0.00397; ExAC 0.00463; 1000 Genomes Project 0.01298; 1000 Genomes Project 30x 0.01312; gnomAD 0.01501 and 0.01618; TOPMed 0.01688.
gnomAD v4.1: 4,416 of 1,614,028 alleles (0.27%); highest among the groups gnomAD compares: African/African-American, 5.1%; 131 homozygotes.

Submissions (3):

GeneDx
Classification: Benign. Last evaluated: 2019-12-20. Review status: criteria provided, single submitter. Criteria: GeneDx Variant Classification Process June 2021. Collection method: clinical testing. Allele origin: germline. Affected: yes.

Breakthrough Genomics
Classification: Benign. Review status: criteria provided, single submitter. Criteria: ACMG Guidelines, 2015. Collection method: not provided. Allele origin: germline. Inheritance: Autosomal dominant inheritance. Affected: yes.

PreventionGenetics, part of Exact Sciences
Classification: Benign for FLG-related condition. Last evaluated: 2019-11-08. Review status: no assertion criteria provided. Collection method: clinical testing. Allele origin: germline. Not counted in ClinVar's aggregate classification.
Comment: This variant is classified as benign based on ACMG/AMP sequence variant interpretation guidelines (Richards et al. 2015 PMID: 25741868, with internal and published modifications).